The following is an entry in ClinVar:

ClinVar aggregate classification (germline): Likely benign (1 of 4 stars; one submission).

gnomAD v4.1: 198 of 1,612,830 alleles (0.012%); highest among the groups gnomAD compares: Middle Eastern, 0.066%; no homozygotes.

Submission:

CeGaT Center for Human Genetics Tuebingen
Classification: Likely benign. Last evaluated: 2025-11-01. Review status: criteria provided, single submitter. Criteria: CeGaT Center For Human Genetics Tuebingen Variant Classification Criteria Version 2. Collection method: clinical testing. Allele origin: germline. Affected: yes. Observed: 1 variant allele.
Comment: ANKRD28: BP4, BP7

NM_001349278.2(ANKRD28):c.981C>T (p.Ala327=)

Genes: ANKRD28 (ankyrin repeat domain 28; minus strand), BTD (biotinidase; plus strand). Cytogenetic location: 3p25.1.
Variant type: single nucleotide variant.
Coding change: c.981C>T on transcript NM_001349278.2 (MANE Select); coding-DNA position 981, C replaced by T.
Protein change: p.Ala327=; no amino-acid change (alanine 327 retained).
Molecular consequence: synonymous variant. On other transcripts: non-coding transcript variant (2), intron variant (2).
Genome position (GRCh38, 1-based): chr3:15,720,930, G>A on the plus strand (C>T on the coding strand, the complement: ANKRD28 is on the minus strand). VCF-style: chr3-15720930-G-A. GRCh37 (hg19) VCF-style: chr3-15762437-G-A.
Other names: c.723C>T, p.Ala241= (NM_001349280.1, NM_001349281.2, NM_001349282.2); c.429C>T, p.Ala143= (NM_001349283.2, NM_001195098.1, NM_001195099.2); c.891C>T, p.Ala297= (NM_015199.4); c.1016-840G>A (NM_001370752.1, NM_001407379.1); c.990C>T, p.Ala330= (NM_001349277.2); c.882C>T, p.Ala294= (NM_001349279.2).
Identifiers: ClinVar variation 4533554 (VCV004533554.6).